The following is an entry in ClinVar:

ClinVar aggregate classification (germline): Likely benign (1 of 4 stars; one submission).

Submission:

Laboratory for Molecular Medicine, Mass General Brigham Personalized Medicine
Classification: Likely benign. Last evaluated: 2015-03-21. Review status: criteria provided, single submitter. Criteria: LMM Criteria. Collection method: clinical testing. Allele origin: germline. Observed: 1 variant allele.
Comment: c.169+14G>A in intron 6 of TNNT2: This variant is not expected to have clinical significance because it is not located within the splice consensus sequence.

NM_001276345.2(TNNT2):c.199+14G>A

Gene: TNNT2 (troponin T2, cardiac type; minus strand). Cytogenetic location: 1q32.1.
Variant type: single nucleotide variant.
Coding change: c.199+14G>A on transcript NM_001276345.2 (MANE Select); 14 bases into the intron after coding-DNA position 199, G replaced by A.
Molecular consequence: intron variant.
Genome position (GRCh38, 1-based): chr1:201,367,757, C>T on the plus strand (G>A on the coding strand, the complement: TNNT2 is on the minus strand). VCF-style: chr1-201367757-C-T. GRCh37 (hg19) VCF-style: chr1-201336885-C-T.
Other names: c.154+14G>A (NM_001001432.3); c.169+14G>A (NM_001001431.3, NM_001001430.3, NM_001276347.2); c.196+14G>A (NM_001276346.2); c.199+14G>A (NM_000364.4).
Identifiers: ClinVar variation 228020 (VCV000228020.5), dbSNP rs876657590, ClinGen allele CA026573.